The following is an entry in ClinVar:

NM_000337.6(SGCD):c.699+13_699+15del

Gene: SGCD (sarcoglycan delta; plus strand). Cytogenetic location: 5q33.3.
Variant type: Deletion.
Coding change: c.699+13_699+15del on transcript NM_000337.6 (MANE Select); bases 13 to 15 of the intron after coding-DNA position 699, 3 bases deleted (AAG; older notation c.699+13_699+15delAAG).
Molecular consequence: intron variant. On other transcripts: inframe deletion (1).
Genome position (GRCh38, 1-based): chr5:156,757,717-156,757,719, AAG deleted; deleting any 3 consecutive bases within chr5:156,757,715-156,757,719 gives the same sequence; the c. name uses the placement nearest the transcript's 3' end. VCF-style (leftmost placement, unchanged base first): chr5-156757714-GAGA-G. GRCh37 (hg19) VCF-style: chr5-156184725-GAGA-G.
Other names: p.?; c.712_714del, p.Lys238del (NM_172244.3); c.699+13_699+15delAAG (NM_000337.5); c.696+13_696+15del (NM_001128209.2); short protein forms K238del.
Identifiers: ClinVar variation 48122 (VCV000048122.47), dbSNP rs397517924, ClinGen allele CA142642.

ClinVar aggregate classification (germline): Benign/Likely benign. Review status: criteria provided, multiple submitters, no conflicts (2 of 4 stars). 21 submissions from 20 submitters: Benign (10); Likely benign (5). 6 of the submissions do not count toward it. Last evaluated 2026-02-03.

Conditions:
Dilated cardiomyopathy 1L (CMD1L). Identifiers: Orphanet 154, MedGen C1847667, MONDO:0011702, OMIM 606685.
Autosomal recessive limb-girdle muscular dystrophy type 2F (LGMDR6). Also called: Muscular dystrophy limb-girdle with delta-sarcoglyan deficiency; MUSCULAR DYSTROPHY, LIMB-GIRDLE, AUTOSOMAL RECESSIVE 6. Identifiers: Orphanet 219, MedGen C1832525, MONDO:0011028, OMIM 601287. Disease mechanism: Affects gamma-sarcoglycan and also disrupts the integrity of the entire sarcoglycan complex..

Submissions (21):

Labcorp Genetics (formerly Invitae), Labcorp
Classification: Benign for Autosomal recessive limb-girdle muscular dystrophy type 2F. Last evaluated: 2026-02-03. Review status: criteria provided, single submitter. Criteria: Invitae Variant Classification Sherloc (09022015). Collection method: clinical testing. Allele origin: germline.

Mayo Clinic Laboratories, Mayo Clinic
Classification: Benign. Last evaluated: 2024-03-18. Review status: criteria provided, single submitter. Criteria: ACMG Guidelines, 2015. Collection method: clinical testing. Allele origin: germline. Observed: 12 variant alleles.

Genome-Nilou Lab
Classification: Likely benign for Autosomal recessive limb-girdle muscular dystrophy type 2F. Last evaluated: 2023-02-08. Review status: criteria provided, single submitter. Criteria: ACMG Guidelines, 2015. Collection method: clinical testing. Allele origin: germline.

Genome-Nilou Lab
Classification: Likely benign for Dilated cardiomyopathy 1L. Last evaluated: 2023-02-08. Review status: criteria provided, single submitter. Criteria: ACMG Guidelines, 2015. Collection method: clinical testing. Allele origin: germline.

ARUP Laboratories, Molecular Genetics and Genomics, ARUP Laboratories
Classification: Benign. Last evaluated: 2022-09-20. Review status: criteria provided, single submitter. Criteria: ARUP Molecular Germline Variant Investigation Process 2021. Collection method: clinical testing. Allele origin: germline.

Fulgent Genetics
Classification: Benign for Autosomal recessive limb-girdle muscular dystrophy type 2F; Dilated cardiomyopathy 1L. Last evaluated: 2022-04-21. Review status: criteria provided, single submitter. Criteria: ACMG Guidelines, 2015. Collection method: clinical testing. Allele origin: unknown.

Women's Health and Genetics/Laboratory Corporation of America, LabCorp
Classification: Benign. Last evaluated: 2020-04-13. Review status: criteria provided, single submitter. Criteria: LabCorp Variant Classification Summary - May 2015. Collection method: clinical testing. Allele origin: germline.
Comment: Variant summary: SGCD c.699+13_699+15delAAG alters a non-conserved nucleotide located close to a canonical splice site and therefore could affect mRNA splicing, leading to a significantly altered protein sequence. 4/4 computational tools predict no significant impact on normal splicing. However, these predictions have yet to be confirmed by functional studies. The variant allele was found at a frequency of 0.0015 in 222898 control chromosomes, predominantly at a frequency of 0.023 within the African or African-American subpopulation in the gnomAD database, including 4 homozygotes. The observed variant frequency within African or African-American control individuals in the gnomAD database is approximately 920-fold the estimated maximal expected allele frequency for a pathogenic variant in SGCD causing Cardiomyopathy phenotype (2.5e-05), strongly suggesting that the variant is a benign polymorphism found primarily in populations of African or African-American origin. c.699+13_699+15delAAG has been reported in the literature in individuals affected with Cardiomyopathy (examples- Tsubata_2000, Norton_2012, Pugh_2014). These reports do not provide unequivocal conclusions about association of the variant with Cardiomyopathy. To our knowledge, no experimental evidence demonstrating an impact on protein function has been reported. Six clinical diagnostic laboratories have submitted clinical-significance assessments for this variant to ClinVar after 2014 without evidence for independent evaluation. All laboratories classified the variant as benign (n=4)/likely benign (n=2). Based on the evidence outlined above, the variant was classified as benign.

Mendelics
Classification: Benign for Autosomal recessive limb-girdle muscular dystrophy type 2F. Last evaluated: 2019-05-28. Review status: criteria provided, single submitter. Criteria: Mendelics Assertion Criteria 2017. Collection method: clinical testing. Allele origin: unknown.

Athena Diagnostics
Classification: Likely benign. Last evaluated: 2018-02-14. Review status: criteria provided, single submitter. Criteria: Athena Diagnostics Criteria. Collection method: clinical testing. Allele origin: germline.

Center for Pediatric Genomic Medicine, Children's Mercy Hospital and Clinics
Classification: Likely benign. Last evaluated: 2017-08-28. Review status: criteria provided, single submitter. Criteria: ACMG Guidelines, 2015. Collection method: clinical testing. Allele origin: germline.

GeneDx
Classification: Benign. Last evaluated: 2015-10-28. Review status: criteria provided, single submitter. Criteria: GeneDx Variant Classification (06012015). Collection method: clinical testing. Allele origin: germline. Affected: yes.
Comment: This variant is considered likely benign or benign based on one or more of the following criteria: it is a conservative change, it occurs at a poorly conserved position in the protein, it is predicted to be benign by multiple in silico algorithms, and/or has population frequency not consistent with disease.

Eurofins Ntd Llc (ga)
Classification: Benign. Last evaluated: 2015-08-21. Review status: criteria provided, single submitter. Criteria: EGL Classification Definitions 2015. Collection method: clinical testing. Allele origin: germline. Observed: 2 variant alleles, 2 heterozygotes.

Biesecker Lab/Clinical Genomics Section, National Institutes of Health
Classification: Likely benign. Last evaluated: 2013-06-24. Review status: criteria provided, single submitter. Criteria: Ng et al. (Circ Cardiovasc Genet. 2013). Collection method: research. Allele origin: unknown. Observed: 2 variant alleles. Study: ClinSeq.
Comment: The study set was not selected for affection status in relation to any cancer. Pathogenicity categories were based on literature curation. See Pubmed ID:23861362 for details.

Medical sequencing

Laboratory for Molecular Medicine, Mass General Brigham Personalized Medicine
Classification: Benign. Last evaluated: 2012-11-28. Review status: criteria provided, single submitter. Criteria: LMM Criteria. Collection method: clinical testing. Allele origin: germline. Observed: 13 variant alleles.
Comment: Lys238del in exon 8 of SGCD: This variant has been reported in a heterozygous st ate in two individuals with apparently sporadic DCM and was not detected in 400 non-race matched control chromosomes (Tsubata 2000). This study also showed that the Lys238del variant led to reduced SGCD protein in cell culture experiments. However, we have detected the Lys238del variant in 3% (10/334) of healthy Black control chromosomes (LMM unpublished data). In addition, this variant has been i dentified in 2.1% (79/3782) of African American chromosomes from a broad populat ion by the NHLBI Exome Sequencing Project.

PreventionGenetics, part of Exact Sciences
Classification: Benign. Review status: criteria provided, single submitter. Criteria: ACMG Guidelines, 2015. Collection method: clinical testing. Allele origin: germline.

OMIM
Classification: Pathogenic for CARDIOMYOPATHY, DILATED, 1L. Last evaluated: 2000-09-01. Review status: no assertion criteria provided. Collection method: literature only. Allele origin: germline. Not counted in ClinVar's aggregate classification.

Clinical Genetics DNA and cytogenetics Diagnostics Lab, Erasmus MC, Erasmus Medical Center
Classification: Likely benign. Review status: no assertion criteria provided. Collection method: clinical testing. Allele origin: germline. Affected: yes. Study: VKGL Data-share Consensus. Not counted in ClinVar's aggregate classification.

Clinical Genetics, Academic Medical Center
Classification: Benign. Review status: no assertion criteria provided. Collection method: clinical testing. Allele origin: germline. Affected: yes. Study: VKGL Data-share Consensus. Not counted in ClinVar's aggregate classification.

Diagnostic Laboratory, Department of Genetics, University Medical Center Groningen
Classification: Likely benign. Review status: no assertion criteria provided. Collection method: clinical testing. Allele origin: germline. Affected: yes. Study: VKGL Data-share Consensus. Not counted in ClinVar's aggregate classification.

Joint Genome Diagnostic Labs from Nijmegen and Maastricht, Radboudumc and MUMC+
Classification: Benign. Review status: no assertion criteria provided. Collection method: clinical testing. Allele origin: germline. Affected: yes. Study: VKGL Data-share Consensus. Not counted in ClinVar's aggregate classification.

Laboratory of Diagnostic Genome Analysis, Leiden University Medical Center (LUMC)
Classification: Likely benign. Review status: no assertion criteria provided. Collection method: clinical testing. Allele origin: germline. Affected: yes. Study: VKGL Data-share Consensus. Not counted in ClinVar's aggregate classification.

Literature cited by the submitters: PubMed 10974018 (cited by 4 submitters); PubMed 24503780 (cited by Women's Health and Genetics/Laboratory Corporation of America, LabCorp and Athena Diagnostics); PubMed 22337857 (cited by Women's Health and Genetics/Laboratory Corporation of America, LabCorp and Athena Diagnostics); PubMed 23861362 (cited by Athena Diagnostics); PubMed 19259135 (cited by Athena Diagnostics); PubMed 14564412 (cited by Laboratory for Molecular Medicine, Mass General Brigham Personalized Medicine).